The following is an entry in ClinVar:

ClinVar aggregate classification (germline): Uncertain significance. Review status: criteria provided, multiple submitters, no conflicts (2 of 4 stars). 2 submissions from 2 submitters: Uncertain significance (2). Last evaluated 2023-06-15.

Allele frequency attached by ClinVar (database versions not stated): ExAC 0.00002.
gnomAD v4.1: 10 of 1,613,424 alleles (0.00062%); highest among the groups gnomAD compares: Non-Finnish European, 0.00085%; no homozygotes.

Submissions (2):

Labcorp Genetics (formerly Invitae), Labcorp
Classification: Uncertain significance. Last evaluated: 2023-06-15. Review status: criteria provided, single submitter. Criteria: Invitae Variant Classification Sherloc (09022015). Collection method: clinical testing. Allele origin: germline.
Comment: In summary, the available evidence is currently insufficient to determine the role of this variant in disease. Therefore, it has been classified as a Variant of Uncertain Significance. An algorithm developed to predict the effect of missense changes on protein structure and function (PolyPhen-2) suggests that this variant is likely to be disruptive. This variant has not been reported in the literature in individuals affected with ATR-related conditions. This variant is present in population databases (rs764664423, gnomAD 0.002%). This sequence change replaces serine, which is neutral and polar, with cysteine, which is neutral and slightly polar, at codon 1210 of the ATR protein (p.Ser1210Cys).

Blueprint Genetics
Classification: Uncertain significance. Last evaluated: 2019-09-10. Review status: criteria provided, single submitter. Criteria: ACMG Guidelines, 2015. Collection method: clinical testing. Allele origin: germline.

NM_001184.4(ATR):c.3629C>G (p.Ser1210Cys)

Gene: ATR (ATR checkpoint kinase; minus strand). Cytogenetic location: 3q23.
Variant type: single nucleotide variant.
Coding change: c.3629C>G on transcript NM_001184.4 (MANE Select); coding-DNA position 3629, C replaced by G.
Protein change: p.Ser1210Cys; replaces serine 1210 with cysteine.
Molecular consequence: missense variant.
Genome position (GRCh38, 1-based): chr3:142,538,578, G>C on the plus strand (C>G on the coding strand, the complement: ATR is on the minus strand). VCF-style: chr3-142538578-G-C. GRCh37 (hg19) VCF-style: chr3-142257420-G-C.
Other names: c.3437C>G, p.Ser1146Cys (NM_001354579.2); short protein forms S1146C, S1210C.
Identifiers: ClinVar variation 2731043 (VCV002731043.4), dbSNP rs764664423, ClinGen allele CA2650048.